The following is an entry in ClinVar:

NM_032737.4(LMNB2):c.402-18_402-3del

Gene: LMNB2 (lamin B2; minus strand). Cytogenetic location: 19p13.3.
Variant type: Deletion.
Coding change: c.402-18_402-3del on transcript NM_032737.4 (MANE Select); 18 bases into the intron before coding-DNA position 402 through 3 bases into the intron before coding-DNA position 402, 16 bases deleted (TGCCCTCTTGACTTTC).
Molecular consequence: intron variant.
Genome position (GRCh38, 1-based): chr19:2,438,534-2,438,549, GAAAGTCAAGAGGGCA deleted on the plus strand (TGCCCTCTTGACTTTC on the coding strand, the reverse complement: LMNB2 is on the minus strand). VCF-style (leftmost placement, unchanged base first): chr19-2438533-TGAAAGTCAAGAGGGCA-T. GRCh37 (hg19) VCF-style: chr19-2438531-TGAAAGTCAAGAGGGCA-T.
Identifiers: ClinVar variation 1044284 (VCV001044284.2), dbSNP rs1971855692, ClinGen allele CA2318314875.

ClinVar aggregate classification (germline): Uncertain significance (1 of 4 stars; one submission).

Conditions:
Progressive myoclonic epilepsy type 9. Identifiers: Orphanet 457265, MedGen C4225289, MONDO:0014685, OMIM 616540.
Lipodystrophy, partial, acquired, susceptibility to (APLD). Also called: APLD, SUSCEPTIBILITY TO. Identifiers: MedGen C3887501, MONDO:0100476, OMIM 608709.

Submission:

Labcorp Genetics (formerly Invitae), Labcorp
Classification: Uncertain significance for Progressive myoclonic epilepsy type 9; Lipodystrophy, partial, acquired, susceptibility to. Last evaluated: 2020-08-14. Review status: criteria provided, single submitter. Criteria: Invitae Variant Classification Sherloc (09022015). Collection method: clinical testing. Allele origin: germline.
Comment: This sequence change falls in intron 2 of the LMNB2 gene. It does not directly change the encoded amino acid sequence of the LMNB2 protein, but it affects a nucleotide within the consensus splice site of the intron. This variant is not present in population databases (ExAC no frequency). This variant has not been reported in the literature in individuals with LMNB2-related conditions. Nucleotide substitutions within the consensus splice site are a relatively common cause of aberrant splicing (PMID: 17576681, 9536098). Algorithms developed to predict the effect of sequence changes on RNA splicing suggest that this variant may disrupt the consensus splice site, but this prediction has not been confirmed by published transcriptional studies. In summary, the available evidence is currently insufficient to determine the role of this variant in disease. Therefore, it has been classified as a Variant of Uncertain Significance.

Literature cited by the submitters: PubMed 17576681; PubMed 9536098.